The following is an entry in ClinVar:

ClinVar aggregate classification (germline): Uncertain significance (1 of 4 stars; one submission).

Allele frequency attached by ClinVar (database versions not stated): TOPMed 0.00001; ExAC 0.00003.
gnomAD v4.1: 9 of 1,553,072 alleles (0.00058%); highest among the groups gnomAD compares: Middle Eastern, 0.017%; no homozygotes.

Submission:

Labcorp Genetics (formerly Invitae), Labcorp
Classification: Uncertain significance. Last evaluated: 2023-01-24. Review status: criteria provided, single submitter. Criteria: Invitae Variant Classification Sherloc (09022015). Collection method: clinical testing. Allele origin: germline.
Comment: In summary, the available evidence is currently insufficient to determine the role of this variant in disease. Therefore, it has been classified as a Variant of Uncertain Significance. Advanced modeling of protein sequence and biophysical properties (such as structural, functional, and spatial information, amino acid conservation, physicochemical variation, residue mobility, and thermodynamic stability) performed at Invitae indicates that this missense variant is not expected to disrupt WNT3A protein function. This variant has not been reported in the literature in individuals affected with WNT3A-related conditions. The frequency data for this variant in the population databases is considered unreliable, as metrics indicate poor data quality at this position in the gnomAD database. This sequence change replaces arginine, which is basic and polar, with histidine, which is basic and polar, at codon 185 of the WNT3A protein (p.Arg185His).

NM_033131.4(WNT3A):c.554G>A (p.Arg185His)

Gene: WNT3A (Wnt family member 3A; plus strand). Cytogenetic location: 1q42.13.
Variant type: single nucleotide variant.
Coding change: c.554G>A on transcript NM_033131.4 (MANE Select); coding-DNA position 554, G replaced by A.
Protein change: p.Arg185His; replaces arginine 185 with histidine.
Molecular consequence: missense variant.
Genome position (GRCh38, 1-based): chr1:228,050,896, G>A. VCF-style: chr1-228050896-G-A. GRCh37 (hg19) VCF-style: chr1-228238597-G-A.
Other names: short protein forms R185H.
Identifiers: ClinVar variation 2970060 (VCV002970060.3), dbSNP rs747520416, ClinGen allele CA1429482.